The following is an entry in ClinVar:

ClinVar aggregate classification (germline): Pathogenic/Likely pathogenic. Review status: criteria provided, multiple submitters, no conflicts (2 of 4 stars). 5 submissions from 5 submitters: Pathogenic (2); Likely pathogenic (3). Last evaluated 2025-09-25.

Conditions:
PCWH syndrome. Also called: WAARDENBURG-SHAH SYNDROME, NEUROLOGIC VARIANT. Identifiers: Orphanet 163746, MedGen C1836727, MONDO:0012198, OMIM 609136.
Waardenburg syndrome type 2E (WS2E). Also called: WAARDENBURG SYNDROME, TYPE 2E, WITH OR WITHOUT NEUROLOGIC INVOLVEMENT; WS2E, WITH OR WITHOUT NEUROLOGIC INVOLVEMENT; HYPOGONADOTROPIC HYPOGONADISM WITH ANOSMIA AND DEAFNESS, WITH OR WITHOUT HYPOPIGMENTATION. Identifiers: Orphanet 3440, MedGen C2700405, MONDO:0012698, OMIM 611584.
Waardenburg syndrome type 4C (WS4C). Also called: WAARDENBURG SYNDROME WITH HIRSCHSPRUNG DISEASE, TYPE 4C. Identifiers: Orphanet 897, MedGen C2750452, MONDO:0013202, OMIM 613266.
SOX10-related disorder. Also called: SOX10-related condition.
Deafness with anatomical inner ear anomalies.
Hypogonadotropic hypogonadism. Also called: Low gonadotropins (secondary hypogonadism); Hypogonadotrophic hypogonadism; Isolated hypogonadotropic hypogonadism; Hypogonadotropic hypogonadism with or without anosmia. Identifiers: Orphanet 432, MedGen C0271623, MONDO:0018555, HP:0000044.

Submissions (5):

NHS Central & South Genomic Laboratory Hub
Classification: Likely pathogenic for Hypogonadotropic hypogonadism. Last evaluated: 2025-09-25. Review status: criteria provided, single submitter. Criteria: ACMG Guidelines, 2015. Collection method: clinical testing. Allele origin: germline. Affected: yes.

Labcorp Genetics (formerly Invitae), Labcorp
Classification: Pathogenic. Last evaluated: 2024-11-19. Review status: criteria provided, single submitter. Criteria: Invitae Variant Classification Sherloc (09022015). Collection method: clinical testing. Allele origin: germline.
Comment: This sequence change replaces arginine, which is basic and polar, with cysteine, which is neutral and slightly polar, at codon 161 of the SOX10 protein (p.Arg161Cys). This variant is not present in population databases (gnomAD no frequency). This missense change has been observed in individuals with SOX10-related conditions (PMID: 25077900, 27562378, 29419413, 32908489). It has also been observed to segregate with disease in related individuals. ClinVar contains an entry for this variant (Variation ID: 1407649). Invitae Evidence Modeling of protein sequence and biophysical properties (such as structural, functional, and spatial information, amino acid conservation, physicochemical variation, residue mobility, and thermodynamic stability) indicates that this missense variant is expected to disrupt SOX10 protein function with a positive predictive value of 95%. For these reasons, this variant has been classified as Pathogenic.

Blueprint Genetics
Classification: Likely pathogenic for SOX10-related disorders. Last evaluated: 2024-08-27. Review status: criteria provided, single submitter. Criteria: ACMG Guidelines, 2015. Collection method: clinical testing. Allele origin: germline. Affected: yes. Observed: 1 variant allele.

HudsonAlpha Institute for Biotechnology
Classification: Likely pathogenic for PCWH syndrome; Waardenburg syndrome type 2E; Waardenburg syndrome type 4C. Last evaluated: 2023-08-25. Review status: criteria provided, single submitter. Criteria: ACMG Guidelines, 2015. Collection method: research. Allele origin: maternal. Affected: yes. Observed: 1 variant allele. Study: HudsonAlpha-AGHI-WGS.

King Laboratory, University of Washington
Classification: Pathogenic for Deafness with anatomical inner ear anomalies. Last evaluated: 2023-02-28. Review status: criteria provided, single submitter. Criteria: Li et al. (Genet Med. 2022). Collection method: research. Allele origin: unknown. Affected: yes.
Comment: This variant was found in heterozygosity in two siblings with bilateral sensorineural hearing loss of onset <18 years with enlarged vestibular aqueducts and absent posterior semicircular canals, in a study of pediatric hearing loss conducted by the King Laboratory (Carlson RJ et al. JAMA-OtoHNS 2023). The two siblings have a similar hearing loss, and the family has no other history of hearing loss. This variant is a missense at a completely conserved site in the disordered functional domain of the SOX10 protein and is predicted to be damaging by multiple in-silico tools. As of January 2023, this variant has been reported to ClinVar as pathogenic and is not found on gnomAD. Based on consistently predicted functional effect, co-segregation with the phenotype in the family, and goodness of fit of genotype to phenotype, we conclude that this variant is pathogenic.

Literature cited by the submitters: PubMed 25077900 (cited by Labcorp Genetics (formerly Invitae), Labcorp); PubMed 27562378 (cited by Labcorp Genetics (formerly Invitae), Labcorp); PubMed 29419413 (cited by Labcorp Genetics (formerly Invitae), Labcorp); PubMed 32908489 (cited by Labcorp Genetics (formerly Invitae), Labcorp); PubMed 36633841 (cited by King Laboratory, University of Washington).

NM_006941.4(SOX10):c.481C>T (p.Arg161Cys)

Genes: POLR2F (RNA polymerase II, I and III subunit F; plus strand), SOX10 (SRY-box transcription factor 10; minus strand). Cytogenetic location: 22q13.1.
Variant type: single nucleotide variant.
Coding change: c.481C>T on transcript NM_006941.4 (MANE Select); coding-DNA position 481, C replaced by T.
Protein change: p.Arg161Cys; replaces arginine 161 with cysteine.
Molecular consequence: missense variant. On other transcripts: intron variant (3).
Genome position (GRCh38, 1-based): chr22:37,978,083, G>A on the plus strand (C>T on the coding strand, the complement: SOX10 is on the minus strand). VCF-style: chr22-37978083-G-A. GRCh37 (hg19) VCF-style: chr22-38374090-G-A.
Other names: c.*38+5773G>A (NM_001363825.1); c.294-8071G>A (NM_001301130.2); c.293+10913G>A (NM_001301131.2); short protein forms R161C.
Identifiers: ClinVar variation 1407649 (VCV001407649.9), dbSNP rs2145768544, ClinGen allele CA411497985.
Genomic context (GRCh38, chr22:37,978,083, plus strand): 5'-CGTTCTTCCGCCGCCTGGGCTGGTACTTGTAGTCCGGGTGGTCTTTCTTGTGCTGCATAC[G>A]GAGCCGCTCAGCCTCCTCGATGAAGGGGCGCTTGTCACTTTCGTTCAGCAGCCTGGGGTG-3'
Protein context (NP_008872.1, residues 151-171): RPFIEEAERL[Arg161Cys]MQHKKDHPDY